The following is an entry in ClinVar:

NM_007078.3(LDB3):c.464T>C (p.Leu155Pro)

Gene: LDB3 (LIM domain binding 3; plus strand). Cytogenetic location: 10q23.2.
Variant type: single nucleotide variant.
Coding change: c.464T>C on transcript NM_007078.3 (MANE Select); coding-DNA position 464, T replaced by C.
Protein change: p.Leu155Pro; replaces leucine 155 with proline.
Molecular consequence: missense variant. On other transcripts: intron variant (5).
Genome position (GRCh38, 1-based): chr10:86,681,578, T>C. VCF-style: chr10-86681578-T-C. GRCh37 (hg19) VCF-style: chr10-88441335-T-C.
Other names: c.464T>C, p.Leu155Pro (NM_001080115.2, NM_001171610.2, NM_001171611.2 and 3 more transcripts); c.321+1421T>C (NM_001368068.1, NM_001368066.1, NM_001080114.2 and 2 more transcripts); short protein forms L155P.
Identifiers: ClinVar variation 3606546 (VCV003606546.2).
Genomic context (GRCh38, chr10:86,681,578, plus strand): 5'-CCCCGGAGCTCAGGCCCACCTTTAGCCCTGCCTTCTCCCGGCCCTCCGCCTTCTCCTCAC[T>C]CGCCGAGGCCTCTGACCCTGGCCCTCCGCGGGCCAGCCTGAGGGCCAAGACCAGCCCAGA-3'
Protein context (NP_009009.1, residues 145-165): AFSRPSAFSS[Leu155Pro]AEASDPGPPR

ClinVar aggregate classification (germline): Uncertain significance (1 of 4 stars; one submission).

Conditions:
Myofibrillar myopathy 4. Also called: Zaspopathy (type). Identifiers: Orphanet 98912, MedGen C4721886, MONDO:0012277, OMIM 609452.

Submission:

Labcorp Genetics (formerly Invitae), Labcorp
Classification: Uncertain significance for Myofibrillar myopathy 4. Last evaluated: 2024-07-30. Review status: criteria provided, single submitter. Criteria: Invitae Variant Classification Sherloc (09022015). Collection method: clinical testing. Allele origin: germline.
Comment: The LDB3 gene has multiple clinically relevant transcripts. This variant occurs in alternate transcript NM_007078.3, and corresponds to NM_001080116.1:c.321+1421T>C in the primary transcript. This sequence change replaces leucine, which is neutral and non-polar, with proline, which is neutral and non-polar, at codon 155 of the LDB3 protein (p.Leu155Pro). This variant is not present in population databases (gnomAD no frequency). This variant has not been reported in the literature in individuals affected with LDB3-related conditions. Experimental studies and prediction algorithms are not available or were not evaluated, and the functional significance of this variant is currently unknown. Algorithms developed to predict the effect of sequence changes on RNA splicing suggest that this variant is not likely to affect RNA splicing. In summary, the available evidence is currently insufficient to determine the role of this variant in disease. Therefore, it has been classified as a Variant of Uncertain Significance.